The following is an entry in ClinVar:

ClinVar aggregate classification (germline): Conflicting classifications of pathogenicity. Review status: criteria provided, conflicting classifications (1 of 4 stars). 4 submissions from 4 submitters: Pathogenic (2); Likely pathogenic (1); Uncertain significance (1). Last evaluated 2025-10-27.

Conditions:
Hereditary cancer-predisposing syndrome. Also called: Tumor predisposition; Hereditary Cancer Syndrome; Neoplastic Syndromes, Hereditary; Hereditary neoplastic syndrome. Identifiers: Orphanet 140162, MedGen C0027672, MeSH D009386, MONDO:0015356.
Fumarase deficiency (FMRD). Also called: Fumaric aciduria; Fumarate Hydratase Deficiency. Identifiers: Orphanet 24, MedGen C0342770, MONDO:0011730, OMIM 606812.

gnomAD v4.1: 3 of 1,543,802 alleles (0.00019%); highest among the groups gnomAD compares: Non-Finnish European, 0.00017%; no homozygotes.

Submissions (4):

Labcorp Genetics (formerly Invitae), Labcorp
Classification: Pathogenic. Last evaluated: 2025-10-27. Review status: criteria provided, single submitter. Criteria: Invitae Variant Classification Sherloc (09022015). Collection method: clinical testing. Allele origin: germline.
Comment: This sequence change creates a premature translational stop signal (p.Arg3*) in the FH gene. FH has two initiator codons, p.Met1 and p.Met44, which result in two different functional isoforms that localize to the mitochondria and cytosol, respectively (PMID: 21929734, 27037871). Loss-of-function variants in FH are known to be pathogenic (PMID: 11865300, 21398687). Variants affecting the mitochondrial isoform confer risk for fumarate hydratase deficiency, while variants that affect the cytosolic isoform confer risk for FH tumor predisposition syndrome. This variant is present in population databases (rs202166344, gnomAD no frequency). This variant has not been reported in the literature in individuals affected with FH-related conditions. ClinVar contains an entry for this variant (Variation ID: 214391). This variant disrupts the mitochondria-targeting sequence (MTS) of the FH protein, which is important for protein import into the mitochondria (PMID: 27037871). This suggests that disruption of this region is causative of fumarate hydratase deficiency. For these reasons, this variant has been classified as Pathogenic for autosomal recessive fumarate hydratase deficiency. However, this variant is not likely to confer risk for autosomal dominant FH tumor predisposition syndrome.

Baylor Genetics
Classification: Likely pathogenic for Fumarase deficiency. Last evaluated: 2024-03-27. Review status: criteria provided, single submitter. Criteria: ACMG Guidelines, 2015. Collection method: clinical testing. Allele origin: unknown.

Ambry Genetics
Classification: Uncertain significance for Hereditary cancer-predisposing syndrome. Last evaluated: 2024-03-18. Review status: criteria provided, single submitter. Criteria: Ambry Variant Classification Scheme 2023. Collection method: clinical testing. Allele origin: germline.
Comment: The p.R3* variant (also known as c.7C>T), located in coding exon 1 of the FH gene, results from a C to T substitution at nucleotide position 7. This changes the amino acid from an arginine to a stop codon within coding exon 1. This alteration is expected to result in loss of function by premature protein truncation or nonsense-mediated mRNA decay. However, there is a second in-frame methionine at p.M44. Proteins initiated from the first methionine are targeted to the mitochondrion while proteins initiated from the second methionine are targeted to the cytoplasm due to the lack of the mitochondrial targeting sequence encoded between them (Dik E et al. Traffic. 2016 Jul;17:720-32; Magrane M et al. Database (Oxford) 2011). Data suggest that it is the cytoplasmic protein that conveys the tumor suppressor function of FH (Yogev O et al. PLoS Biol. 2010 Mar;8:e1000328). This alteration and others that are expected to adversely affect the protein before the second methionine, have been observed in numerous individuals who do not have a personal or family history that is consistent with or suggestive of HLRCC (Ambry internal data). The clinical impact of this variant in terms of autosomal recessive Fumarase Deficiency is also unclear due to the lack of this variant being associated with this autosomal recessive disease in the literature and internally. Since supporting evidence is limited at this time, the clinical significance of this alteration remains unclear.

GeneDx
Classification: Pathogenic. Last evaluated: 2013-04-17. Review status: criteria provided, single submitter. Criteria: GeneDx Variant Classification (06012015). Collection method: clinical testing. Allele origin: germline. Affected: yes.
Comment: The R3X nonsense mutation in the FH gene is predicted to cause loss of normal protein function either through protein truncation or nonsense-mediated mRNA decay. Although this mutation has not been reported previously to our knowledge, it is expected to be a pathogenic mutation. The variant is found in MITONUC-MITOP panel(s).

Literature cited by the submitters: PubMed 21929734 (cited by Labcorp Genetics (formerly Invitae), Labcorp); PubMed 27037871 (cited by Labcorp Genetics (formerly Invitae), Labcorp); PubMed 11865300 (cited by Labcorp Genetics (formerly Invitae), Labcorp); PubMed 21398687 (cited by Labcorp Genetics (formerly Invitae), Labcorp).

NM_000143.4(FH):c.7C>T (p.Arg3Ter)

Gene: FH (fumarate hydratase; minus strand). Cytogenetic location: 1q43.
Variant type: single nucleotide variant.
Coding change: c.7C>T on transcript NM_000143.4 (MANE Select); coding-DNA position 7, C replaced by T.
Protein change: p.Arg3Ter; replaces arginine 3 with a stop codon.
Molecular consequence: nonsense.
Genome position (GRCh38, 1-based): chr1:241,519,716, G>A on the plus strand (C>T on the coding strand, the complement: FH is on the minus strand). VCF-style: chr1-241519716-G-A. GRCh37 (hg19) VCF-style: chr1-241683016-G-A.
Other names: p.R3*:CGA>TGA; short protein forms R3*.
Identifiers: ClinVar variation 214391 (VCV000214391.19), dbSNP rs202166344, ClinGen allele CA321335.